The following is an entry in ClinVar:

NM_016156.6(MTMR2):c.316A>C (p.Thr106Pro)

Gene: MTMR2 (myotubularin related protein 2; minus strand). Cytogenetic location: 11q21.
Variant type: single nucleotide variant.
Coding change: c.316A>C on transcript NM_016156.6 (MANE Select); coding-DNA position 316, A replaced by C.
Protein change: p.Thr106Pro; replaces threonine 106 with proline.
Molecular consequence: missense variant.
Genome position (GRCh38, 1-based): chr11:95,862,313, T>G on the plus strand (A>C on the coding strand, the complement: MTMR2 is on the minus strand). VCF-style: chr11-95862313-T-G. GRCh37 (hg19) VCF-style: chr11-95595477-T-G.
Other names: c.100A>C, p.Thr34Pro (NM_001243571.2, NM_201278.3, NM_201281.3); short protein forms T106P, T34P.
Identifiers: ClinVar variation 3896922 (VCV003896922.1).

ClinVar aggregate classification (germline): Uncertain significance (1 of 4 stars; one submission).

Conditions:
Charcot-Marie-Tooth disease type 4B1. Also called: CHARCOT-MARIE-TOOTH DISEASE, DEMYELINATING, TYPE 4B1; CHARCOT-MARIE-TOOTH DISEASE, AUTOSOMAL RECESSIVE, WITH FOCALLY FOLDED MYELIN SHEATHS, AUTOSOMAL RECESSIVE, TYPE 4B1; CHARCOT-MARIE-TOOTH DISEASE, TYPE 4B; Charcot-Marie-Tooth Neuropathy Type 4B1. Identifiers: Orphanet 99955, MedGen C1832399, MONDO:0011066, OMIM 601382.

Submission:

Kariminejad - Najmabadi Pathology & Genetics Center
Classification: Uncertain significance for Charcot-Marie-Tooth disease type 4B1. Last evaluated: 2021-06-29. Review status: criteria provided, single submitter. Criteria: ACMG Guidelines, 2015. Collection method: clinical testing. Allele origin: germline. Inheritance: Autosomal recessive inheritance. Affected: yes.
Comment: PM2, PP3